The following is an entry in ClinVar:

NM_001379200.1(TBX1):c.428A>G (p.Lys143Arg)

Gene: TBX1 (T-box transcription factor 1; plus strand). Cytogenetic location: 22q11.21.
Variant type: single nucleotide variant.
Coding change: c.428A>G on transcript NM_001379200.1 (MANE Select); coding-DNA position 428, A replaced by G.
Protein change: p.Lys143Arg; replaces lysine 143 with arginine.
Molecular consequence: missense variant.
Genome position (GRCh38, 1-based): chr22:19,761,271, A>G. VCF-style: chr22-19761271-A-G. GRCh37 (hg19) VCF-style: chr22-19748794-A-G.
Other names: c.401A>G, p.Lys134Arg (NM_005992.1, NM_080646.2, NM_080647.1); short protein forms K134R, K143R.
Identifiers: ClinVar variation 2142425 (VCV002142425.4), dbSNP rs1473332597, ClinGen allele CA410681848.

ClinVar aggregate classification (germline): Uncertain significance (1 of 4 stars; one submission).

Conditions:
DiGeorge syndrome. Also called: THIRD AND FOURTH PHARYNGEAL POUCH SYNDROME; Catch22. Identifiers: Orphanet 567, MedGen C0012236, MONDO:0008564, OMIM 188400.

Allele frequency attached by ClinVar (database versions not stated): gnomAD exomes 0.00001.
gnomAD v4.1: 14 of 1,557,772 alleles (0.0009%); highest among the groups gnomAD compares: Non-Finnish European, 0.0012%; no homozygotes.

Submission:

Labcorp Genetics (formerly Invitae), Labcorp
Classification: Uncertain significance for DiGeorge syndrome. Last evaluated: 2025-10-21. Review status: criteria provided, single submitter. Criteria: Invitae Variant Classification Sherloc (09022015). Collection method: clinical testing. Allele origin: germline.
Comment: This sequence change replaces lysine, which is basic and polar, with arginine, which is basic and polar, at codon 134 of the TBX1 protein (p.Lys134Arg). The frequency data for this variant in the population databases is considered unreliable, as metrics indicate poor data quality at this position in the gnomAD database. This variant has not been reported in the literature in individuals affected with TBX1-related conditions. ClinVar contains an entry for this variant (Variation ID: 2142425). Invitae Evidence Modeling of protein sequence and biophysical properties (such as structural, functional, and spatial information, amino acid conservation, physicochemical variation, residue mobility, and thermodynamic stability) has been performed for this missense variant. However, the output from this modeling did not meet the statistical confidence thresholds required to predict the impact of this variant on TBX1 protein function. In summary, the available evidence is currently insufficient to determine the role of this variant in disease. Therefore, it has been classified as a Variant of Uncertain Significance.